The following is an entry in ClinVar:

NM_001303052.2(MYT1L):c.3200A>T (p.Gln1067Leu)

Gene: MYT1L (myelin transcription factor 1 like; minus strand). Cytogenetic location: 2p25.3.
Variant type: single nucleotide variant.
Coding change: c.3200A>T on transcript NM_001303052.2 (MANE Select); coding-DNA position 3200, A replaced by T.
Protein change: p.Gln1067Leu; replaces glutamine 1067 with leucine.
Molecular consequence: missense variant.
Genome position (GRCh38, 1-based): chr2:1,801,772, T>A on the plus strand (A>T on the coding strand, the complement: MYT1L is on the minus strand). VCF-style: chr2-1801772-T-A. GRCh37 (hg19) VCF-style: chr2-1805544-T-A.
Other names: c.3200A>T, p.Gln1067Leu (NM_001329844.2, NM_001329845.1, NM_001329851.3); c.3194A>T, p.Gln1065Leu (NM_001329846.3, NM_001329847.2, NM_001329848.1 and 3 more transcripts); short protein forms Q1065L, Q1067L.
Identifiers: ClinVar variation 1708405 (VCV001708405.5), dbSNP rs758905362, ClinGen allele CA1513831.

ClinVar aggregate classification (germline): Uncertain significance. Review status: criteria provided, multiple submitters, no conflicts (2 of 4 stars). 2 submissions from 2 submitters: Uncertain significance (2). Last evaluated 2025-12-08.

Allele frequency attached by ClinVar (database versions not stated): gnomAD exomes below 0.00001; TOPMed 0.00001; ExAC 0.00002.
gnomAD v4.1: 7 of 1,609,116 alleles (0.00044%); highest among the groups gnomAD compares: African/African-American, 0.0013%; no homozygotes.

Submissions (2):

GeneDx
Classification: Uncertain significance. Last evaluated: 2025-12-08. Review status: criteria provided, single submitter. Criteria: GeneDx Variant Classification Process June 2021. Collection method: clinical testing. Allele origin: germline.
Comment: Reported in one individual from a large cohort of patients with neurodevelopmental disorders (PMID: 33004838); In silico analysis supports that this missense variant has a deleterious effect on protein structure/function; This variant is associated with the following publications: (PMID: 33004838)

Centre of Medical Genetics, University Hospital Muenster
Classification: Uncertain significance. Last evaluated: 2022-07-26. Review status: criteria provided, single submitter. Criteria: ACMG Guidelines, 2015. Collection method: clinical testing. Allele origin: unknown. Affected: yes. Observed: 1 variant allele, 1 heterozygote.
Comment: ACMG categories: PM1,PM2